The following is an entry in ClinVar:

ClinVar aggregate classification (germline): Uncertain significance (1 of 4 stars; one submission).

Conditions:
Cystic fibrosis (CF). Also called: MUCOVISCIDOSIS. Identifiers: Orphanet 586, MedGen C0010674, MONDO:0009061, OMIM 219700. Disease mechanism: loss of function.

Submission:

Labcorp Genetics (formerly Invitae), Labcorp
Classification: Uncertain significance for Cystic fibrosis. Last evaluated: 2022-03-04. Review status: criteria provided, single submitter. Criteria: Invitae Variant Classification Sherloc (09022015). Collection method: clinical testing. Allele origin: germline.
Comment: This variant, c.2481_2483del, results in the deletion of 1 amino acid(s) of the CFTR protein (p.Glu827del), but otherwise preserves the integrity of the reading frame. This variant is not present in population databases (gnomAD no frequency). This variant has not been reported in the literature in individuals affected with CFTR-related conditions. Experimental studies and prediction algorithms are not available or were not evaluated, and the functional significance of this variant is currently unknown. In summary, the available evidence is currently insufficient to determine the role of this variant in disease. Therefore, it has been classified as a Variant of Uncertain Significance.

NM_000492.4(CFTR):c.2478AGA[1] (p.Glu827del)

Gene: CFTR (CF transmembrane conductance regulator; plus strand). Cytogenetic location: 7q31.2.
Variant type: Microsatellite.
Coding change: c.2478AGA[1] on transcript NM_000492.4 (MANE Select); one copy of the 3-base unit AGA starting at c.2478; the reference has two copies in a row; one copy, 3 bases deleted.
Protein change: p.Glu827del; deletes glutamic acid 827.
Molecular consequence: inframe deletion.
Genome position (GRCh38, 1-based): chr7:117,592,648-117,592,650, AGA deleted; deleting any 3 consecutive bases within chr7:117,592,643-117,592,650 gives the same sequence; the position shown is the placement nearest the transcript's 3' end. VCF-style (leftmost placement, unchanged base first): chr7-117592642-CGAA-C. GRCh37 (hg19) VCF-style: chr7-117232696-CGAA-C.
Other names: short protein forms E827del.
Identifiers: ClinVar variation 1429215 (VCV001429215.4), dbSNP rs2116034014, ClinGen allele CA2580614250.